The following is an entry in ClinVar:

NM_018136.5(ASPM):c.6693_6698del (p.Phe2233_Gln2234del)

Gene: ASPM (assembly factor for spindle microtubules; minus strand). Cytogenetic location: 1q31.3.
Variant type: Deletion.
Coding change: c.6693_6698del on transcript NM_018136.5 (MANE Select); coding-DNA positions 6693 to 6698, 6 bases deleted (ACAATT; older notation c.6693_6698delACAATT).
Protein change: p.Phe2233_Gln2234del.
Molecular consequence: inframe deletion. On other transcripts: intron variant (1).
Genome position (GRCh38, 1-based): chr1:197,102,553-197,102,558, AATTGT deleted on the plus strand (ACAATT on the coding strand, the reverse complement: ASPM is on the minus strand); deleting any 6 consecutive bases within chr1:197,102,553-197,102,559 gives the same sequence; the c. name uses the placement nearest the transcript's 3' end. VCF-style (leftmost placement, unchanged base first): chr1-197102552-AAATTGT-A. GRCh37 (hg19) VCF-style: chr1-197071682-AAATTGT-A.
Other names: c.4066-6394_4066-6389del (NM_001206846.2).
Identifiers: ClinVar variation 4727342 (VCV004727342.1).

ClinVar aggregate classification (germline): Uncertain significance (1 of 4 stars; one submission).

Submission:

Labcorp Genetics (formerly Invitae), Labcorp
Classification: Uncertain significance. Last evaluated: 2025-09-17. Review status: criteria provided, single submitter. Criteria: Invitae Variant Classification Sherloc (09022015). Collection method: clinical testing. Allele origin: germline.
Comment: This variant, c.6693_6698del, results in the deletion of 2 amino acid(s) of the ASPM protein (p.Phe2233_Gln2234del), but otherwise preserves the integrity of the reading frame. This variant is not present in population databases (gnomAD no frequency). This variant has not been reported in the literature in individuals affected with ASPM-related conditions. Experimental studies and prediction algorithms are not available or were not evaluated, and the functional significance of this variant is currently unknown. In summary, the available evidence is currently insufficient to determine the role of this variant in disease. Therefore, it has been classified as a Variant of Uncertain Significance.